The following is an entry in ClinVar:

NM_001199397.3(NEK1):c.2771A>G (p.Asp924Gly)

Gene: NEK1 (NIMA related kinase 1; minus strand). Cytogenetic location: 4q33.
Variant type: single nucleotide variant.
Coding change: c.2771A>G on transcript NM_001199397.3 (MANE Select); coding-DNA position 2771, A replaced by G.
Protein change: p.Asp924Gly; replaces aspartic acid 924 with glycine.
Molecular consequence: missense variant. On other transcripts: non-coding transcript variant (1).
Genome position (GRCh38, 1-based): chr4:169,433,659, T>C on the plus strand (A>G on the coding strand, the complement: NEK1 is on the minus strand). VCF-style: chr4-169433659-T-C. GRCh37 (hg19) VCF-style: chr4-170354810-T-C.
Other names: c.2639A>G, p.Asp880Gly (NM_001199398.3); c.2480A>G, p.Asp827Gly (NM_001199399.3); c.2555A>G, p.Asp852Gly (NM_001199400.3); c.2771A>G, p.Asp924Gly (NM_001374418.1); c.2687A>G, p.Asp896Gly (NM_001374419.1, NM_012224.4); c.2636A>G, p.Asp879Gly (NM_001374420.1); c.2288A>G, p.Asp763Gly (NM_001374421.1); short protein forms D879G, D880G, D924G, D852G, D896G, D763G, D827G.
Identifiers: ClinVar variation 2954741 (VCV002954741.3), dbSNP rs754206974, ClinGen allele CA3137327.
Genomic context (GRCh38, chr4:169,433,659, plus strand): 5'-GGCAAGCTCTCATCTTTGTTTGTTCCACTTGGCTCTTGTAGAATTTCTGTTTCCAAATCA[T>C]CAGGTTCTGCAAAGGATAAACGTAACGAGAGACATCTCAAAGCAAAATTTGTCAAGAGAA-3'
Protein context (NP_001186326.1, residues 914-934): LKLEGNLEEP[Asp924Gly]DLETEILQEP

ClinVar aggregate classification (germline): Uncertain significance (1 of 4 stars; one submission).

Conditions:
Short-rib thoracic dysplasia 6 with or without polydactyly (SRTD6). Also called: POLYDACTYLY WITH NEONATAL CHONDRODYSTROPHY, TYPE II; SHORT-RIB THORACIC DYSPLASIA 6 WITH POLYDACTYLY; SHORT-RIB THORACIC DYSPLASIA 6 WITHOUT POLYDACTYLY; Majewski Syndrome; SHORT RIB-POLYDACTYLY SYNDROME, TYPE IIA. Identifiers: MedGen C0024507, MONDO:0009894, OMIM 263520.

Allele frequency attached by ClinVar (database versions not stated): gnomAD exomes below 0.00001; ExAC 0.00001.
gnomAD v4.1: 2 of 1,613,338 alleles (0.00012%); highest among the groups gnomAD compares: Non-Finnish European, 0.00017%; no homozygotes.

Submission:

Labcorp Genetics (formerly Invitae), Labcorp
Classification: Uncertain significance for Short-rib thoracic dysplasia 6 with or without polydactyly. Last evaluated: 2023-11-10. Review status: criteria provided, single submitter. Criteria: Invitae Variant Classification Sherloc (09022015). Collection method: clinical testing. Allele origin: germline.
Comment: This sequence change replaces aspartic acid, which is acidic and polar, with glycine, which is neutral and non-polar, at codon 896 of the NEK1 protein (p.Asp896Gly). This variant is present in population databases (rs754206974, gnomAD 0.0009%). This variant has not been reported in the literature in individuals affected with NEK1-related conditions. Advanced modeling of protein sequence and biophysical properties (such as structural, functional, and spatial information, amino acid conservation, physicochemical variation, residue mobility, and thermodynamic stability) performed at Invitae indicates that this missense variant is not expected to disrupt NEK1 protein function with a negative predictive value of 80%. In summary, the available evidence is currently insufficient to determine the role of this variant in disease. Therefore, it has been classified as a Variant of Uncertain Significance.